The following is an entry in ClinVar:

ClinVar aggregate classification (germline): Uncertain significance (1 of 4 stars; one submission).

Submission:

Labcorp Genetics (formerly Invitae), Labcorp
Classification: Uncertain significance. Last evaluated: 2024-03-19. Review status: criteria provided, single submitter. Criteria: Invitae Variant Classification Sherloc (09022015). Collection method: clinical testing. Allele origin: germline.
Comment: This sequence change replaces valine, which is neutral and non-polar, with glycine, which is neutral and non-polar, at codon 188 of the SRA1 protein (p.Val188Gly). This variant is not present in population databases (gnomAD no frequency). This variant has not been reported in the literature in individuals affected with SRA1-related conditions. An algorithm developed to predict the effect of missense changes on protein structure and function (PolyPhen-2) suggests that this variant is likely to be disruptive. In summary, the available evidence is currently insufficient to determine the role of this variant in disease. Therefore, it has been classified as a Variant of Uncertain Significance.

NM_001035235.4(SRA1):c.527T>G (p.Val176Gly)

Gene: SRA1 (steroid receptor RNA activator 1; minus strand). Cytogenetic location: 5q31.3.
Variant type: single nucleotide variant.
Coding change: c.527T>G on transcript NM_001035235.4 (MANE Select); coding-DNA position 527, T replaced by G.
Protein change: p.Val176Gly; replaces valine 176 with glycine.
Molecular consequence: missense variant. On other transcripts: non-coding transcript variant (2).
Genome position (GRCh38, 1-based): chr5:140,550,848, A>C on the plus strand (T>G on the coding strand, the complement: SRA1 is on the minus strand). VCF-style: chr5-140550848-A-C. GRCh37 (hg19) VCF-style: chr5-139930433-A-C.
Other names: c.479T>G, p.Val160Gly (NM_001253764.2); short protein forms V176G, V160G.
Identifiers: ClinVar variation 3642287 (VCV003642287.2).